The following is an entry in ClinVar:

ClinVar aggregate classification (germline): Likely pathogenic (1 of 4 stars; one submission).

Conditions:
Glycogen storage disease, type I. Identifiers: Orphanet 364, MedGen C0017920, MONDO:0002413.

Submission:

Myriad Genetics, Inc.
Classification: Likely pathogenic for Glycogen storage disease, type I. Last evaluated: 2026-06-01. Review status: criteria provided, single submitter. Criteria: Myriad Autosomal Dominant, Autosomal Recessive and X-Linked Classification Criteria (2023). Collection method: clinical testing. Allele origin: unknown.
Comment: NM_001164277.1(SLC37A4):c.149-1G>T is a variant in a canonical splice site classified as likely pathogenic in the context of glycogen storage disease type Ib. c.149-1G>T has not been observed in cases with relevant disease. Relevant functional assessments of this variant are not available in the literature. c.149-1G>T has not been observed in referenced population frequency databases. In summary, NM_001164277.1(SLC37A4):c.149-1G>T is a variant in a canonical splice site in a gene where loss of function is a known mechanism of disease and is predicted to disrupt protein function. Please note: this variant was assessed in the context of healthy population screening.

NM_001164277.2(SLC37A4):c.149-1G>T

Gene: SLC37A4 (solute carrier family 37 member 4; minus strand). Cytogenetic location: 11q23.3.
Variant type: single nucleotide variant.
Coding change: c.149-1G>T on transcript NM_001164277.2 (MANE Select); the canonical splice acceptor site of the intron before coding-DNA position 149, G replaced by T.
Molecular consequence: splice acceptor variant.
Genome position (GRCh38, 1-based): chr11:119,028,427, C>A on the plus strand (G>T on the coding strand, the complement: SLC37A4 is on the minus strand). VCF-style: chr11-119028427-C-A. GRCh37 (hg19) VCF-style: chr11-118899137-C-A.
Other names: c.-71-1G>T (NM_001164279.2); c.149-1G>T (NM_001467.6, NM_001164278.2, NM_001164280.2).
Identifiers: ClinVar variation 5003321 (VCV005003321.1).
Genomic context (GRCh38, chr11:119,028,427, plus strand): 5'-GCACCCCACTGACAAACTTGCTGATAGCATAAGCTGCCGACTGGCTGCTGGTGATGAACC[C>A]TGCAGGGAACATTACACTTAGGGGTTAGGGACCAGGGGAGAAACACAGGAGCAATGAAAG-3'